The following is an entry in ClinVar:

ClinVar aggregate classification (germline): Conflicting classifications of pathogenicity. Review status: criteria provided, conflicting classifications (1 of 4 stars). 4 submissions from 4 submitters: Uncertain significance (1); Benign (1); Likely benign (2). Last evaluated 2026-06-04.

Conditions:
Hereditary cancer-predisposing syndrome. Also called: Neoplastic Syndromes, Hereditary; Hereditary Cancer Syndrome; Hereditary neoplastic syndrome; Tumor predisposition. Identifiers: Orphanet 140162, MedGen C0027672, MeSH D009386, MONDO:0015356.
Gastrointestinal stromal tumor. Also called: Gastrointestinal stroma tumor; Gastrointestinal stromal tumor, somatic. Identifiers: Orphanet 44890, MedGen C0238198, MeSH D046152, MONDO:0011719, OMIM 606764, HP:0100723.

Allele frequency attached by ClinVar (database versions not stated): ExAC 0.00001; TOPMed 0.00001; gnomAD exomes 0.00003.
gnomAD v4.1: 33 of 1,613,452 alleles (0.002%); highest among the groups gnomAD compares: Non-Finnish European, 0.0026%; no homozygotes.

Submissions (4):

Myriad Genetics, Inc.
Classification: Benign for Gastrointestinal stromal tumor. Last evaluated: 2026-06-04. Review status: criteria provided, single submitter. Criteria: Myriad Autosomal Dominant, Autosomal Recessive and X-Linked Classification Criteria (2023). Collection method: clinical testing. Allele origin: unknown.
Comment: This variant is considered benign. This variant is a silent/synonymous amino acid change and it is not expected to impact splicing.

Labcorp Genetics (formerly Invitae), Labcorp
Classification: Likely benign for Gastrointestinal stromal tumor. Last evaluated: 2025-10-20. Review status: criteria provided, single submitter. Criteria: Invitae Variant Classification Sherloc (09022015). Collection method: clinical testing. Allele origin: germline.

GeneDx
Classification: Uncertain significance. Last evaluated: 2023-06-05. Review status: criteria provided, single submitter. Criteria: GeneDx Variant Classification Process June 2021. Collection method: clinical testing. Allele origin: germline. Affected: yes.
Comment: In silico analysis supports that this variant does not alter splicing; Has not been previously published as pathogenic or benign to our knowledge

Ambry Genetics
Classification: Likely benign for Hereditary cancer-predisposing syndrome. Last evaluated: 2022-05-16. Review status: criteria provided, single submitter. Criteria: Ambry Variant Classification Scheme 2023. Collection method: clinical testing. Allele origin: germline.

NM_000222.3(KIT):c.2001G>C (p.Leu667=)

Gene: KIT (KIT proto-oncogene, receptor tyrosine kinase; plus strand). Cytogenetic location: 4q12.
Variant type: single nucleotide variant.
Coding change: c.2001G>C on transcript NM_000222.3 (MANE Select); coding-DNA position 2001, G replaced by C.
Protein change: p.Leu667=; no amino-acid change (leucine 667 retained).
Molecular consequence: synonymous variant.
Genome position (GRCh38, 1-based): chr4:54,729,345, G>C. VCF-style: chr4-54729345-G-C. GRCh37 (hg19) VCF-style: chr4-55595511-G-C.
Other names: c.1989G>C, p.Leu663= (NM_001093772.2, NM_001385286.1); c.2004G>C, p.Leu668= (NM_001385284.1, NM_001385290.1); c.2001G>C, p.Leu667= (NM_001385285.1); c.1992G>C, p.Leu664= (NM_001385288.1, NM_001385292.1).
Identifiers: ClinVar variation 415774 (VCV000415774.16), dbSNP rs766315579, ClinGen allele CA2923632.
Genomic context (GRCh38, chr4:54,729,345, plus strand): 5'-TTAATCTATATATCTCACCTTCTTTCTAACCTTTTCTTATGTGCTTTTAGGGCCCACCCT[G>C]GTCATTACAGAATATTGTTGCTATGGTGATCTTTTGAATTTTTTGAGAAGAAAACGTGAT-3'
Protein context (NP_000213.1, residues 657-677): LGACTIGGPT[Leu667=]VITEYCCYGD